The following is an entry in ClinVar:

ClinVar aggregate classification (germline): Uncertain significance (1 of 4 stars; one submission).

Conditions:
POLD1-related polyposis and colorectal cancer syndrome (CRCS10). Also called: Colorectal cancer 10; COLORECTAL CANCER, SUSCEPTIBILITY TO, ON CHROMOSOME 19q; Colorectal cancer, susceptibility to, 10. Identifiers: Orphanet 220460, MedGen C2675481, MONDO:0012953, OMIM 612591.

Submission:

Labcorp Genetics (formerly Invitae), Labcorp
Classification: Uncertain significance for POLD1-related polyposis and colorectal cancer syndrome. Last evaluated: 2024-08-03. Review status: criteria provided, single submitter. Criteria: Invitae Variant Classification Sherloc (09022015). Collection method: clinical testing. Allele origin: germline.
Comment: This sequence change replaces arginine, which is basic and polar, with serine, which is neutral and polar, at codon 639 of the POLD1 protein (p.Arg639Ser). This variant is not present in population databases (gnomAD no frequency). This variant has not been reported in the literature in individuals affected with POLD1-related conditions. Advanced modeling of protein sequence and biophysical properties (such as structural, functional, and spatial information, amino acid conservation, physicochemical variation, residue mobility, and thermodynamic stability) performed at Invitae indicates that this missense variant is not expected to disrupt POLD1 protein function with a negative predictive value of 80%. In summary, the available evidence is currently insufficient to determine the role of this variant in disease. Therefore, it has been classified as a Variant of Uncertain Significance.

NM_002691.4(POLD1):c.1917G>C (p.Arg639Ser)

Gene: POLD1 (DNA polymerase delta 1, catalytic subunit; plus strand). Cytogenetic location: 19q13.33.
Variant type: single nucleotide variant.
Coding change: c.1917G>C on transcript NM_002691.4 (MANE Select); coding-DNA position 1917, G replaced by C.
Protein change: p.Arg639Ser; replaces arginine 639 with serine.
Molecular consequence: missense variant. On other transcripts: non-coding transcript variant (1).
Genome position (GRCh38, 1-based): chr19:50,409,146, G>C. VCF-style: chr19-50409146-G-C. GRCh37 (hg19) VCF-style: chr19-50912403-G-C.
Other names: c.1917G>C, p.Arg639Ser (NM_001256849.1); c.1995G>C, p.Arg665Ser (NM_001308632.1); short protein forms R639S, R665S.
Identifiers: ClinVar variation 3661301 (VCV003661301.2).